The following is an entry in ClinVar:

ClinVar aggregate classification (germline): Conflicting classifications of pathogenicity. Review status: criteria provided, conflicting classifications (1 of 4 stars). 2 submissions from 2 submitters: Likely pathogenic (1); Uncertain significance (1). Last evaluated 2026-04-28.

Conditions:
Neuropathy, hereditary sensory and autonomic, type 2A (HSAN2A). Also called: ACROOSTEOLYSIS, GIACCAI TYPE; ACROOSTEOLYSIS, NEUROGENIC; HSAN IIA; MORVAN DISEASE; NEUROPATHY, CONGENITAL SENSORY; NEUROPATHY, HEREDITARY SENSORY RADICULAR, AUTOSOMAL RECESSIVE. Identifiers: Orphanet 970, MedGen C2752089, MONDO:0024309, OMIM 201300.
Generalized epilepsy with febrile seizures plus, type 7 (GEFSP7). Also called: GEFS+, TYPE 7. Identifiers: Orphanet 36387, MedGen C2751778, MONDO:0013470, OMIM 613863.
Channelopathy-associated congenital insensitivity to pain, autosomal recessive. Also called: ASYMBOLIA FOR PAIN; CONGENITAL ANALGESIA, AUTOSOMAL RECESSIVE; Insensitivity to pain, channelopathy-associated. Identifiers: Orphanet 88642, Orphanet 970, MedGen C1855739, MONDO:0009459, OMIM 243000.

Submissions (2):

Medical Molecular Genetics, National Research Centre
Classification: Likely pathogenic for Channelopathy-associated congenital insensitivity to pain, autosomal recessive. Last evaluated: 2026-04-28. Review status: criteria provided, single submitter. Criteria: ACMG Guidelines, 2015. Collection method: research. Allele origin: inherited. Affected: yes.
Comment: The p.(Asn853_Lys857del) variant results in an in-frame deletion of five amino acids from the SCN9A protein. The deletion is expected to alter normal channel structure and function.

Labcorp Genetics (formerly Invitae), Labcorp
Classification: Uncertain significance for Neuropathy, hereditary sensory and autonomic, type 2A; Generalized epilepsy with febrile seizures plus, type 7. Last evaluated: 2024-11-27. Review status: criteria provided, single submitter. Criteria: Invitae Variant Classification Sherloc (09022015). Collection method: clinical testing. Allele origin: germline.
Comment: This variant, c.2525_2539del, results in the deletion of 5 amino acid(s) of the SCN9A protein (p.Asn842_Lys846del), but otherwise preserves the integrity of the reading frame. This variant is not present in population databases (gnomAD no frequency). This variant has not been reported in the literature in individuals affected with SCN9A-related conditions. Experimental studies and prediction algorithms are not available or were not evaluated, and the functional significance of this variant is currently unknown. In summary, the available evidence is currently insufficient to determine the role of this variant in disease. Therefore, it has been classified as a Variant of Uncertain Significance.

NM_001365536.1(SCN9A):c.2558_2572del (p.Asn853_Lys857del)

Genes: SCN1A-AS1 (SCN1A and SCN9A antisense RNA 1; plus strand), SCN9A (sodium voltage-gated channel alpha subunit 9; minus strand). Cytogenetic location: 2q24.3.
Variant type: Deletion.
Coding change: c.2558_2572del on transcript NM_001365536.1 (MANE Select); coding-DNA positions 2558 to 2572, 15 bases deleted (ACATGCTGATTAAGA).
Protein change: p.Asn853_Lys857del.
Molecular consequence: inframe deletion.
Genome position (GRCh38, 1-based): chr2:166,277,285-166,277,299, TCTTAATCAGCATGT deleted on the plus strand (ACATGCTGATTAAGA on the coding strand, the reverse complement: SCN9A is on the minus strand); deleting any 15 consecutive bases within chr2:166,277,285-166,277,301 gives the same sequence; the c. name uses the placement nearest the transcript's 3' end. VCF-style (leftmost placement, unchanged base first): chr2-166277284-ATCTTAATCAGCATGT-A. GRCh37 (hg19) VCF-style: chr2-167133794-ATCTTAATCAGCATGT-A.
Other names: c.2525_2539del, p.Asn842_Lys846del (NM_002977.4).
Identifiers: ClinVar variation 3756001 (VCV003756001.3).
Genomic context (GRCh38, chr2:166,277,284, plus strand): 5'-AAGACGATGATGGCCAACACTAAGGTGAGGTTACCTAGAGCCCCTACTGAGTTACCAATG[ATCTTAATCAGCATGT>A]TCAATGTTGGCCAGGATTTTGCCAACTTGAAGACTCGGAGCTAAAAGCAAATATAAAGTT-3'